The following is an entry in ClinVar:

ClinVar aggregate classification (germline): Uncertain significance (1 of 4 stars; one submission).

Allele frequency attached by ClinVar (database versions not stated): ExAC 0.00005; gnomAD exomes 0.00001; gnomAD 0.00002; TOPMed 0.00002.
gnomAD v4.1: 14 of 1,613,902 alleles (0.00087%); highest among the groups gnomAD compares: East Asian, 0.02%; no homozygotes.

Submission:

Labcorp Genetics (formerly Invitae), Labcorp
Classification: Uncertain significance. Last evaluated: 2025-12-01. Review status: criteria provided, single submitter. Criteria: Invitae Variant Classification Sherloc (09022015). Collection method: clinical testing. Allele origin: germline.
Comment: This sequence change replaces tyrosine, which is neutral and polar, with cysteine, which is neutral and slightly polar, at codon 319 of the HOXA13 protein (p.Tyr319Cys). This variant is present in population databases (rs752022717, gnomAD 0.06%). This variant has not been reported in the literature in individuals affected with HOXA13-related conditions. ClinVar contains an entry for this variant (Variation ID: 1957764). Invitae Evidence Modeling of protein sequence and biophysical properties (such as structural, functional, and spatial information, amino acid conservation, physicochemical variation, residue mobility, and thermodynamic stability) indicates that this missense variant is not expected to disrupt HOXA13 protein function with a negative predictive value of 80%. In summary, the available evidence is currently insufficient to determine the role of this variant in disease. Therefore, it has been classified as a Variant of Uncertain Significance.

NM_000522.5(HOXA13):c.956A>G (p.Tyr319Cys)

Gene: HOXA13 (homeobox A13; minus strand). Cytogenetic location: 7p15.2.
Variant type: single nucleotide variant.
Coding change: c.956A>G on transcript NM_000522.5 (MANE Select); coding-DNA position 956, A replaced by G.
Protein change: p.Tyr319Cys; replaces tyrosine 319 with cysteine.
Molecular consequence: missense variant.
Genome position (GRCh38, 1-based): chr7:27,198,409, T>C on the plus strand (A>G on the coding strand, the complement: HOXA13 is on the minus strand). VCF-style: chr7-27198409-T-C. GRCh37 (hg19) VCF-style: chr7-27238028-T-C.
Other names: short protein forms Y319C.
Identifiers: ClinVar variation 1957764 (VCV001957764.5), dbSNP rs752022717, ClinGen allele CA4198569.